The following is an entry in ClinVar:

NM_031475.3(ESPN):c.*4C>T

Gene: ESPN (espin; plus strand). Cytogenetic location: 1p36.31.
Variant type: single nucleotide variant.
Coding change: c.*4C>T on transcript NM_031475.3 (MANE Select); 4 bases downstream of the stop codon, C replaced by T.
Molecular consequence: 3 prime UTR variant.
Genome position (GRCh38, 1-based): chr1:6,460,150, C>T. VCF-style: chr1-6460150-C-T. GRCh37 (hg19) VCF-style: chr1-6520210-C-T.
Other names: c.*4C>T (NM_001367473.1, NM_001367474.1).
Identifiers: ClinVar variation 3053343 (VCV003053343.2), dbSNP rs376659285, ClinGen allele CA560564.

ClinVar aggregate classification (germline): Likely benign (0 of 4 stars; one submission).

Conditions:
ESPN-related disorder. Also called: ESPN-related condition.

Allele frequency attached by ClinVar (database versions not stated): TOPMed 0.00006; gnomAD 0.00008; 1000 Genomes Project 30x 0.00016; 1000 Genomes Project 0.00020; ESP Exome Variant Server 0.00023.
gnomAD v4.1: 21 of 1,610,124 alleles (0.0013%); highest among the groups gnomAD compares: Admixed American, 0.013%; no homozygotes.

Submission:

PreventionGenetics, part of Exact Sciences
Classification: Likely benign for ESPN-related condition. Last evaluated: 2019-08-20. Review status: no assertion criteria provided. Collection method: clinical testing. Allele origin: germline.
Comment: This variant is classified as likely benign based on ACMG/AMP sequence variant interpretation guidelines (Richards et al. 2015 PMID: 25741868, with internal and published modifications).